The following is an entry in ClinVar:

ClinVar aggregate classification (germline): Uncertain significance (1 of 4 stars; one submission).

Conditions:
Epidermolysis bullosa simplex with nail dystrophy (EBS5D). Identifiers: MedGen C4225309, MONDO:0014661, OMIM 616487.
Epidermolysis bullosa simplex, Ogna type (EBS5A). Also called: Pidermolysis bullosa simplex 5A, Ogna type; EPIDERMOLYSIS BULLOSA SIMPLEX 5A, OGNA TYPE. Identifiers: Orphanet 79401, MedGen C0432317, MONDO:0007555, OMIM 131950.
Autosomal recessive limb-girdle muscular dystrophy type 2Q (LGMDR17). Also called: MUSCULAR DYSTROPHY, LIMB-GIRDLE, AUTOSOMAL RECESSIVE 17. Identifiers: Orphanet 254361, MedGen C3150989, MONDO:0013390, OMIM 613723.
Epidermolysis bullosa simplex 5B, with muscular dystrophy (EBS5B). Also called: EPIDERMOLYSIS BULLOSA SIMPLEX AND LIMB-GIRDLE MUSCULAR DYSTROPHY; Epidermolysis bullosa simplex with muscular dystrophy. Identifiers: Orphanet 257, MedGen C2931072, MONDO:0009181, OMIM 226670.
Epidermolysis bullosa simplex 5C, with pyloric atresia (EBS5C). Also called: PLEC-Related Epidermolysis Bullosa with Pyloric Atresia; Epidermolysis bullosa simplex with pyloric atresia; PLEC1-Related Epidermolysis Bullosa with Pyloric Atresia. Identifiers: Orphanet 158684, MedGen C2677349, MONDO:0012807, OMIM 612138.

Allele frequency attached by ClinVar (database versions not stated): ExAC 0.00012.
gnomAD v4.1: 26 of 1,573,708 alleles (0.0017%); highest among the groups gnomAD compares: East Asian, 0.0023%; no homozygotes.

Submission:

Labcorp Genetics (formerly Invitae), Labcorp
Classification: Uncertain significance for Autosomal recessive limb-girdle muscular dystrophy type 2Q; Epidermolysis bullosa simplex, Ogna type; Epidermolysis bullosa simplex with nail dystrophy; Epidermolysis bullosa simplex 5C, with pyloric atresia; Epidermolysis bullosa simplex 5B, with muscular dystrophy. Last evaluated: 2023-08-11. Review status: criteria provided, single submitter. Criteria: Invitae Variant Classification Sherloc (09022015). Collection method: clinical testing. Allele origin: germline.
Comment: This sequence change replaces alanine, which is neutral and non-polar, with valine, which is neutral and non-polar, at codon 1858 of the PLEC protein (p.Ala1858Val). This variant is present in population databases (rs782404494, gnomAD 0.009%). This variant has not been reported in the literature in individuals affected with PLEC-related conditions. Experimental studies and prediction algorithms are not available or were not evaluated, and the functional significance of this variant is currently unknown. In summary, the available evidence is currently insufficient to determine the role of this variant in disease. Therefore, it has been classified as a Variant of Uncertain Significance.

NM_201384.3(PLEC):c.5492C>T (p.Ala1831Val)

Gene: PLEC (plectin; minus strand). Cytogenetic location: 8q24.3.
Variant type: single nucleotide variant.
Coding change: c.5492C>T on transcript NM_201384.3 (MANE Select); coding-DNA position 5492, C replaced by T.
Protein change: p.Ala1831Val; replaces alanine 1831 with valine.
Molecular consequence: missense variant. On other transcripts: intron variant (1).
Genome position (GRCh38, 1-based): chr8:143,924,437, G>A on the plus strand (C>T on the coding strand, the complement: PLEC is on the minus strand). VCF-style: chr8-143924437-G-A. GRCh37 (hg19) VCF-style: chr8-144998605-G-A.
Other names: c.5573C>T, p.Ala1858Val (NM_000445.5); c.5450C>T, p.Ala1817Val (NM_201378.4); c.5426C>T, p.Ala1809Val (NM_201379.3); c.5903C>T, p.Ala1968Val (NM_201380.4); c.5396C>T, p.Ala1799Val (NM_201381.3); c.5492C>T, p.Ala1831Val (NM_201382.4); c.5504C>T, p.Ala1835Val (NM_201383.3); c.4126-2042C>T (NM_001410941.1); short protein forms A1799V, A1817V, A1858V, A1968V, A1809V, A1831V, A1835V.
Identifiers: ClinVar variation 2941081 (VCV002941081.3), dbSNP rs782404494, ClinGen allele CA4926346.
Genomic context (GRCh38, chr8:143,924,437, plus strand): 5'-TCCGTCTTGAGCCGCGTGGCCTCGCCGATGGCGGCCAGCTTCTCCGCAAGCACCCGCTCC[G>A]CCTCGGCCCGCTGCCGCGCCGCGTCTTCCTCGGCCAGCTGCCGCTGCCGCTTGGCCTCTT-3'
Protein context (NP_958786.1, residues 1821-1841): EEDAARQRAE[Ala1831Val]ERVLAEKLAA